The following is an entry in ClinVar:

ClinVar aggregate classification (germline): Pathogenic. Review status: criteria provided, multiple submitters, no conflicts (2 of 4 stars). 3 submissions from 3 submitters: Pathogenic (3). Last evaluated 2025-03-10.

Conditions:
Congenital myasthenic syndrome 11. Also called: Myasthenic syndrome, congenital, 11, associated with acetylcholine receptor deficiency; MYASTHENIC SYNDROME, CONGENITAL, Ie. Identifiers: Orphanet 590, MedGen C4225367, MONDO:0014588, OMIM 616326.
Fetal akinesia deformation sequence 1 (FADS1). Also called: Fetal akinesia sequence; Pena-Shokeir syndrome type I. Identifiers: Orphanet 994, MedGen C1276035, MONDO:0100101, OMIM 208150, HP:0001989.
Fetal akinesia deformation sequence 2. Identifiers: MedGen C4760576, MONDO:0100102, OMIM 618388.
Congenital myasthenic syndrome (CMS). Also called: Congenital Myasthenic Syndromes. Identifiers: Orphanet 590, MedGen C0751882, MeSH D020294, MONDO:0018940.

Submissions (3):

Natera, Inc.
Classification: Pathogenic for Congenital myasthenic syndrome. Last evaluated: 2025-03-10. Review status: criteria provided, single submitter. Criteria: Natera Variant Classification Schema (03/2026). Collection method: clinical testing. Allele origin: germline.
Comment: The c.990_993del variant in RAPSN is a frameshift variant predicted to shift the reading frame and introduce a stop codon. This variant is expected to result in nonsense mediated decay, truncation, or a dysfunctional protein product. This variant is rare in the general population with a frequency below the threshold expected for the associated phenotype(s). This variant has been observed in one or more individuals affected with the associated recessive disease, as either homozygous or compound heterozygous with a second variant (PMID: 22678886). Given the available evidence, this variant is classified as Pathogenic.

Baylor Genetics
Classification: Pathogenic for Fetal akinesia deformation sequence 2. Last evaluated: 2023-09-05. Review status: criteria provided, single submitter. Criteria: ACMG Guidelines, 2015. Collection method: clinical testing. Allele origin: unknown.

Labcorp Genetics (formerly Invitae), Labcorp
Classification: Pathogenic for Congenital myasthenic syndrome 11; Fetal akinesia deformation sequence 1. Last evaluated: 2023-08-02. Review status: criteria provided, single submitter. Criteria: Invitae Variant Classification Sherloc (09022015). Collection method: clinical testing. Allele origin: germline.
Comment: For these reasons, this variant has been classified as Pathogenic. ClinVar contains an entry for this variant (Variation ID: 2137088). This premature translational stop signal has been observed in individual(s) with clinical features of congenital myasthenic syndrome (PMID: 22678886). This variant is not present in population databases (gnomAD no frequency). This sequence change creates a premature translational stop signal (p.Cys330*) in the RAPSN gene. It is expected to result in an absent or disrupted protein product. Loss-of-function variants in RAPSN are known to be pathogenic (PMID: 17686188).

Literature cited by the submitters: PubMed 22678886 (cited by Natera, Inc. and Labcorp Genetics (formerly Invitae), Labcorp); PubMed 17686188 (cited by Labcorp Genetics (formerly Invitae), Labcorp).

NM_005055.5(RAPSN):c.990_993del (p.His329_Cys330insTer)

Gene: RAPSN (receptor associated protein of the synapse; minus strand). Cytogenetic location: 11p11.2.
Variant type: Deletion.
Coding change: c.990_993del on transcript NM_005055.5 (MANE Select); coding-DNA positions 990 to 993, 4 bases deleted (TCTG; older notation c.990_993delTCTG).
Protein change: p.His329_Cys330insTer.
Molecular consequence: nonsense.
Genome position (GRCh38, 1-based): chr11:47,438,905-47,438,908, CAGA deleted on the plus strand (TCTG on the coding strand, the reverse complement: RAPSN is on the minus strand); deleting any 4 consecutive bases within chr11:47,438,905-47,438,911 gives the same sequence; the c. name uses the placement nearest the transcript's 3' end. VCF-style (leftmost placement, unchanged base first): chr11-47438904-TCAGA-T. GRCh37 (hg19) VCF-style: chr11-47460455-TCAGA-T.
Other names: c.813_816del, p.His270_Cys271insTer (NM_032645.5); c.990_993del (NM_005055.4).
Identifiers: ClinVar variation 2137088 (VCV002137088.7), dbSNP rs2496086825, ClinGen allele CA2580084199.